The following is an entry in ClinVar:

ClinVar aggregate classification (germline): Uncertain significance (1 of 4 stars; one submission).

Submission:

Labcorp Genetics (formerly Invitae), Labcorp
Classification: Uncertain significance. Last evaluated: 2024-08-26. Review status: criteria provided, single submitter. Criteria: Invitae Variant Classification Sherloc (09022015). Collection method: clinical testing. Allele origin: germline.
Comment: This sequence change creates a premature translational stop signal (p.Arg76Lysfs*35) in the ANKRD26 gene. It is expected to result in an absent or disrupted protein product. However, the current clinical and genetic evidence is not sufficient to establish whether loss-of-function variants in ANKRD26 cause disease. This variant is not present in population databases (gnomAD no frequency). This variant has not been reported in the literature in individuals affected with ANKRD26-related conditions. In summary, the available evidence is currently insufficient to determine the role of this variant in disease. Therefore, it has been classified as a Variant of Uncertain Significance.

NM_014915.3(ANKRD26):c.226dup (p.Arg76fs)

Gene: ANKRD26 (ankyrin repeat domain 26; minus strand). Cytogenetic location: 10p12.1.
Variant type: Duplication.
Coding change: c.226dup on transcript NM_014915.3 (MANE Select); coding-DNA position 226, one base duplicated (A; older notation c.226dupA).
Protein change: p.Arg76fs; shifts the reading frame from arginine 76.
Molecular consequence: frameshift variant.
Genome position (GRCh38, 1-based): chr10:27,100,101, T duplicated on the plus strand (A on the coding strand, the reverse complement: ANKRD26 is on the minus strand). VCF-style (leftmost placement, unchanged base first): chr10-27100100-C-CT. GRCh37 (hg19) VCF-style: chr10-27389029-C-CT.
Other names: c.226dup, p.Arg76fs (NM_001256053.2); short protein forms R76fs.
Identifiers: ClinVar variation 2812246 (VCV002812246.3), dbSNP rs2539359929, ClinGen allele CA2739265328.